The following is an entry in ClinVar:

ClinVar aggregate classification (germline): Uncertain significance (1 of 4 stars; one submission).

Submission:

GeneDx
Classification: Uncertain significance. Last evaluated: 2024-04-23. Review status: criteria provided, single submitter. Criteria: GeneDx Variant Classification Process June 2021. Collection method: clinical testing. Allele origin: germline. Affected: yes.
Comment: Not observed at significant frequency in large population cohorts (gnomAD); Initiation codon variant in a gene for which loss of function is a known mechanism of disease; Has not been previously published as pathogenic or benign to our knowledge

NM_001162501.2(TNRC6B):c.1_2insC (p.Met1fs)

Gene: TNRC6B (trinucleotide repeat containing adaptor 6B; plus strand). Cytogenetic location: 22q13.1.
Variant type: Insertion.
Coding change: c.1_2insC on transcript NM_001162501.2 (MANE Select); coding-DNA positions 1 to 2, C inserted.
Protein change: p.Met1fs; shifts the reading frame from methionine 1.
Molecular consequence: frameshift variant, initiator codon variant. On other transcripts: intron variant (1).
Genome position: GRCh38 VCF-style: chr22-40178136-A-AC. GRCh37 (hg19) VCF-style: chr22-40574140-A-AC.
Other names: c.1_2insC, p.Met1fs (NM_015088.3); c.113+21954_113+21955insC (NM_001024843.2); short protein forms M1fs.
Identifiers: ClinVar variation 3372746 (VCV003372746.1).